The following is an entry in ClinVar:

NM_001283009.2(RTEL1):c.302-8_303del

Genes: RTEL1 (regulator of telomere elongation helicase 1; plus strand), RTEL1-TNFRSF6B (RTEL1-TNFRSF6B readthrough (NMD candidate); plus strand). Cytogenetic location: 20q13.33.
Variant type: Deletion.
Coding change: c.302-8_303del on transcript NM_001283009.2 (MANE Select); 8 bases into the intron before coding-DNA position 302 through coding-DNA position 303, 10 bases deleted (CTGGTCAGCT; older notation c.302-8_303delCTGGTCAGCT).
Molecular consequence: splice acceptor variant.
Genome position (GRCh38, 1-based): chr20:63,661,842-63,661,851, CTGGTCAGCT deleted; deleting any 10 consecutive bases within chr20:63,661,841-63,661,851 gives the same sequence; the c. name uses the placement nearest the transcript's 3' end. VCF-style (leftmost placement, unchanged base first): chr20-63661840-GTCTGGTCAGC-G. GRCh37 (hg19) VCF-style: chr20-62293193-GTCTGGTCAGC-G.
Other names: c.-368-8_-367del (NM_001283010.1); c.302-8_303del (NM_032957.5, NM_016434.4).
Identifiers: ClinVar variation 967687 (VCV000967687.8), dbSNP rs2090026700, ClinGen allele CA1139666813.

ClinVar aggregate classification (germline): Likely pathogenic (1 of 4 stars; one submission).

Conditions:
Pulmonary fibrosis and/or bone marrow failure, Telomere-related, 3. Also called: PULMONARY FIBROSIS AND/OR BONE MARROW FAILURE SYNDROME, TELOMERE-RELATED, 3. Identifiers: Orphanet 2032, MedGen C4225346, MONDO:0014613, OMIM 616373.
Dyskeratosis congenita, autosomal recessive 5 (DKCB5). Identifiers: MedGen C3554656, MONDO:0014076, OMIM 615190.

Submission:

Labcorp Genetics (formerly Invitae), Labcorp
Classification: Likely pathogenic for Dyskeratosis congenita, autosomal recessive 5; Pulmonary fibrosis and/or bone marrow failure, Telomere-related, 3. Last evaluated: 2019-10-15. Review status: criteria provided, single submitter. Criteria: Invitae Variant Classification Sherloc (09022015). Collection method: clinical testing. Allele origin: germline.
Comment: Loss-of-function variants in RTEL1 are known to be pathogenic (PMID: 23453664, 23959892, 25607374). In summary, the currently available evidence indicates that the variant is pathogenic, but additional data are needed to prove that conclusively. Therefore, this variant has been classified as Likely Pathogenic. This variant results in the deletion of part of exon 4 (c.302-8_303del) of the RTEL1 gene. It is expected to disrupt RNA splicing and likely results in an absent or disrupted protein product. This variant has not been reported in the literature in individuals with RTEL1-related conditions.

Literature cited by the submitters: PubMed 23453664; PubMed 23959892; PubMed 25607374.